The following is an entry in ClinVar:

NM_000441.2(SLC26A4):c.2131G>A (p.Asp711Asn)

Genes: SLC26A4 (solute carrier family 26 member 4; plus strand), LOC123956210 (Sharpr-MPRA regulatory region 3291; plus strand). Cytogenetic location: 7q22.3.
Variant type: single nucleotide variant.
Coding change: c.2131G>A on transcript NM_000441.2 (MANE Select); coding-DNA position 2131, G replaced by A.
Protein change: p.Asp711Asn; replaces aspartic acid 711 with asparagine.
Molecular consequence: missense variant.
Genome position (GRCh38, 1-based): chr7:107,710,095, G>A. VCF-style: chr7-107710095-G-A. GRCh37 (hg19) VCF-style: chr7-107350540-G-A.
Other names: short protein forms D711N.
Identifiers: ClinVar variation 43539 (VCV000043539.12), dbSNP rs145805875, ClinGen allele CA132703.

ClinVar aggregate classification (germline): Uncertain significance. Review status: criteria provided, multiple submitters, no conflicts (2 of 4 stars). 6 submissions from 5 submitters: Uncertain significance (4). 2 of the submissions do not count toward it. Last evaluated 2024-08-19.

Conditions:
Autosomal recessive nonsyndromic hearing loss 4 (DFNB4). Also called: Nonsyndromic enlarged vestibular aqueduct (NSEVA); FOXI1-Related Pendred Syndrome; KCNJ10-Related Pendred Syndrome; Deafness, autosomal recessive 4, with enlarged vestibular aqueduct; DEAFNESS, AUTOSOMAL RECESSIVE 4, WITH ENLARGED VESTIBULAR AQUEDUCT, DIGENIC; NEUROSENSORY NONSYNDROMIC RECESSIVE DEAFNESS 4. Identifiers: Orphanet 90636, MedGen C3538946, MONDO:0010933, OMIM 600791.
Pendred syndrome (PDS). Also called: Pendred's syndrome; DEAFNESS WITH GOITER; GOITER-DEAFNESS SYNDROME; HYPOTHYROIDISM, CONGENITAL, DUE TO DYSHORMONOGENESIS, 2B; Pendred Syndrome (PDS); THYROID DYSHORMONOGENESIS 2B. Identifiers: Orphanet 705, MedGen C0271829, MONDO:0010134, OMIM 274600.

gnomAD v4.1: 8 of 1,611,584 alleles (0.0005%); highest among the groups gnomAD compares: South Asian, 0.0011%; no homozygotes.

Submissions (6):

GeneDx
Classification: Uncertain significance. Last evaluated: 2024-08-19. Review status: criteria provided, single submitter. Criteria: GeneDx Variant Classification Process June 2021. Collection method: clinical testing. Allele origin: germline. Affected: yes.
Comment: Not observed at significant frequency in large population cohorts (gnomAD); In silico analysis indicates that this missense variant does not alter protein structure/function; Has not been previously published as pathogenic or benign to our knowledge

Genome-Nilou Lab
Classification: Uncertain significance for Autosomal recessive nonsyndromic hearing loss 4. Last evaluated: 2021-09-05. Review status: criteria provided, single submitter. Criteria: ACMG Guidelines, 2015. Collection method: clinical testing. Allele origin: germline. Affected: no.

Genome-Nilou Lab
Classification: Uncertain significance for Pendred syndrome. Last evaluated: 2021-09-05. Review status: criteria provided, single submitter. Criteria: ACMG Guidelines, 2015. Collection method: clinical testing. Allele origin: germline. Affected: no.

Laboratory for Molecular Medicine, Mass General Brigham Personalized Medicine
Classification: Uncertain significance. Last evaluated: 2011-08-31. Review status: criteria provided, single submitter. Criteria: LMM Criteria. Collection method: clinical testing. Allele origin: germline. Observed: 1 variant allele.
Comment: The Asp711Asn variant has not been reported in the literature nor previously ide ntified by our laboratory. This residue is well conserved across mammals and mos t vertebrates; however, it is replaced with glutamic acid in zebrafish. Computat ional analyses (amino acid properties, PolyPhen2, SIFT, AlignGVGD) provide incon sistent predictions on the impact of the variant. It should be noted that this l ab has only sequenced SLC26A4 in 44 Asian probands and no Asian healthy controls . In addition, healthy control information is limited in either public databases or scientific literature, such that the full spectrum of benign variation has n ot yet been defined for this population. Future analysis could reveal that the A sp711Asn variant is common in this population and therefore unlikely to be patho genic. In summary, the clinical significance of this variant is not clear at thi s time.

Natera, Inc.
Classification: Uncertain significance for Pendred syndrome. Last evaluated: 2020-03-20. Review status: no assertion criteria provided. Collection method: clinical testing. Allele origin: germline. Not counted in ClinVar's aggregate classification.

Counsyl
Classification: Uncertain significance for Pendred syndrome. Last evaluated: 2017-08-16. Review status: no assertion criteria provided. Collection method: clinical testing. Allele origin: unknown. Not counted in ClinVar's aggregate classification.